The following is an entry in ClinVar:

ClinVar aggregate classification (germline): Uncertain significance (1 of 4 stars; one submission).

Conditions:
Inborn genetic diseases. Identifiers: MedGen C0950123, MeSH D030342.

Submission:

Ambry Genetics
Classification: Uncertain significance for Inborn genetic diseases. Last evaluated: 2024-10-30. Review status: criteria provided, single submitter. Criteria: Ambry Variant Classification Scheme 2023. Collection method: clinical testing. Allele origin: germline.
Comment: The p.E304D variant (also known as c.912G>T), located in coding exon 8 of the LRRK2 gene, results from a G to T substitution at nucleotide position 912. The glutamic acid at codon 304 is replaced by aspartic acid, an amino acid with highly similar properties. This amino acid position is conserved. In addition, this alteration is predicted to be tolerated by in silico analysis. Based on the available evidence, the clinical significance of this variant remains unclear.

NM_198578.4(LRRK2):c.912G>T (p.Glu304Asp)

Gene: LRRK2 (leucine rich repeat kinase 2; plus strand). Cytogenetic location: 12q12.
Variant type: single nucleotide variant.
Coding change: c.912G>T on transcript NM_198578.4 (MANE Select); coding-DNA position 912, G replaced by T.
Protein change: p.Glu304Asp; replaces glutamic acid 304 with aspartic acid.
Molecular consequence: missense variant.
Genome position (GRCh38, 1-based): chr12:40,249,899, G>T. VCF-style: chr12-40249899-G-T. GRCh37 (hg19) VCF-style: chr12-40643701-G-T.
Other names: short protein forms E304D.
Identifiers: ClinVar variation 3540757 (VCV003540757.1).